The following is an entry in ClinVar:

ClinVar aggregate classification (germline): Uncertain significance (1 of 4 stars; one submission).

Submission:

GeneDx
Classification: Uncertain significance. Last evaluated: 2024-09-07. Review status: criteria provided, single submitter. Criteria: GeneDx Variant Classification Process June 2021. Collection method: clinical testing. Allele origin: germline. Affected: yes.
Comment: Not observed at significant frequency in large population cohorts (gnomAD); In silico analysis indicates that this missense variant does not alter protein structure/function; Has not been previously published as pathogenic or benign to our knowledge; Variants in candidate genes are classified as variants of uncertain significance in accordance with ACMG guidelines (PMID: 25741868)

NM_001801.3(CDO1):c.392C>T (p.Ala131Val)

Gene: CDO1 (cysteine dioxygenase type 1; minus strand). Cytogenetic location: 5q22.3.
Variant type: single nucleotide variant.
Coding change: c.392C>T on transcript NM_001801.3 (MANE Select); coding-DNA position 392, C replaced by T.
Protein change: p.Ala131Val; replaces alanine 131 with valine.
Molecular consequence: missense variant. On other transcripts: non-coding transcript variant (4).
Genome position (GRCh38, 1-based): chr5:115,811,172, G>A on the plus strand (C>T on the coding strand, the complement: CDO1 is on the minus strand). VCF-style: chr5-115811172-G-A. GRCh37 (hg19) VCF-style: chr5-115146869-G-A.
Other names: c.449C>T, p.Ala150Val (NM_001323565.2); c.389C>T, p.Ala130Val (NM_001323566.2); c.176C>T, p.Ala59Val (NM_001323567.2); short protein forms A130V, A131V, A150V, A59V.
Identifiers: ClinVar variation 3362253 (VCV003362253.1).